The following is an entry in ClinVar:

NM_001849.4(COL6A2):c.927+6G>A

Gene: COL6A2 (collagen type VI alpha 2 chain; plus strand). Cytogenetic location: 21q22.3.
Variant type: single nucleotide variant.
Coding change: c.927+6G>A on transcript NM_001849.4 (MANE Select); 6 bases into the intron after coding-DNA position 927, G replaced by A.
Molecular consequence: intron variant.
Genome position (GRCh38, 1-based): chr21:46,116,409, G>A. VCF-style: chr21-46116409-G-A. GRCh37 (hg19) VCF-style: chr21-47536323-G-A.
Other names: c.927+6G>A (NM_058175.3, NM_058174.3).
Identifiers: ClinVar variation 3700873 (VCV003700873.2).

ClinVar aggregate classification (germline): Uncertain significance (1 of 4 stars; one submission).

Conditions:
Bethlem myopathy 1A. Also called: MYOPATHY, BENIGN CONGENITAL, WITH CONTRACTURES; Bethlem myopathy 1; Bethlem Muscular Dystrophy. Identifiers: Orphanet 610, MedGen CN029274, MONDO:0024530, OMIM 158810.

gnomAD v4.1: 4 of 1,612,816 alleles (0.00025%); highest among the groups gnomAD compares: Admixed American, 0.0017%; no homozygotes.

Submission:

Labcorp Genetics (formerly Invitae), Labcorp
Classification: Uncertain significance for Bethlem myopathy 1A. Last evaluated: 2024-02-02. Review status: criteria provided, single submitter. Criteria: Invitae Variant Classification Sherloc (09022015). Collection method: clinical testing. Allele origin: germline.
Comment: This sequence change falls in intron 8 of the COL6A2 gene. It does not directly change the encoded amino acid sequence of the COL6A2 protein. It affects a nucleotide within the consensus splice site. This variant is present in population databases (no rsID available, gnomAD 0.003%). This variant has not been reported in the literature in individuals affected with COL6A2-related conditions. Variants that disrupt the consensus splice site are a relatively common cause of aberrant splicing (PMID: 17576681, 9536098). Algorithms developed to predict the effect of sequence changes on RNA splicing suggest that this variant is not likely to affect RNA splicing. In summary, the available evidence is currently insufficient to determine the role of this variant in disease. Therefore, it has been classified as a Variant of Uncertain Significance.

Literature cited by the submitters: PubMed 17576681; PubMed 9536098.